The following is an entry in ClinVar:

NM_052947.4(ALPK2):c.2810C>T (p.Ser937Leu)

Gene: ALPK2 (alpha kinase 2; minus strand). Cytogenetic location: 18q21.31.
Variant type: single nucleotide variant.
Coding change: c.2810C>T on transcript NM_052947.4 (MANE Select); coding-DNA position 2810, C replaced by T.
Protein change: p.Ser937Leu; replaces serine 937 with leucine.
Molecular consequence: missense variant.
Genome position (GRCh38, 1-based): chr18:58,537,377, G>A on the plus strand (C>T on the coding strand, the complement: ALPK2 is on the minus strand). VCF-style: chr18-58537377-G-A. GRCh37 (hg19) VCF-style: chr18-56204609-G-A.
Other names: short protein forms S937L.
Identifiers: ClinVar variation 1796327 (VCV001796327.3), dbSNP rs2144148548, ClinGen allele CA402569725.
Genomic context (GRCh38, chr18:58,537,377, plus strand): 5'-TTAAATTGCACTAAAGGATTGTTCTCAGAAGAAAGGAGCTGTGTTTCATCAAGCCCTCCT[G>A]AGTTGCTGGGGCTTGGCTGCTCCTGGCCAGCATGTACTGTGGAGGCCAGTGGGTAGGTGG-3'
Protein context (NP_443179.3, residues 927-947): AGQEQPSPSN[Ser937Leu]GGLDETQLLS

ClinVar aggregate classification (germline): Uncertain significance (1 of 4 stars; one submission).

Allele frequency attached by ClinVar (database versions not stated): gnomAD exomes below 0.00001.
gnomAD v4.1: 2 of 1,613,906 alleles (0.00012%); highest among the groups gnomAD compares: Middle Eastern, 0.017%; no homozygotes.

Submission:

Ambry Genetics
Classification: Uncertain significance. Last evaluated: 2024-10-21. Review status: criteria provided, single submitter. Criteria: Ambry Variant Classification Scheme 2023. Collection method: clinical testing. Allele origin: germline.
Comment: The p.S937L variant (also known as c.2810C>T), located in coding exon 4 of the ALPK2 gene, results from a C to T substitution at nucleotide position 2810. The serine at codon 937 is replaced by leucine, an amino acid with dissimilar properties. This amino acid position is conserved. In addition, this alteration is predicted to be tolerated by in silico analysis. Since supporting evidence is limited at this time, the clinical significance of this alteration remains unclear.